The following is an entry in ClinVar:

NM_000375.3(UROS):c.-219C>A

Gene: UROS (uroporphyrinogen III synthase; minus strand). Cytogenetic location: 10q26.2.
Variant type: single nucleotide variant.
Coding change: c.-219C>A on transcript NM_000375.3 (MANE Select); 219 bases upstream of the start codon, C replaced by A.
Molecular consequence: 5 prime UTR variant. On other transcripts: non-coding transcript variant (4).
Genome position (GRCh38, 1-based): chr10:125,823,221, G>T on the plus strand (C>A on the coding strand, the complement: UROS is on the minus strand). VCF-style: chr10-125823221-G-T. GRCh37 (hg19) VCF-style: chr10-127511790-G-T.
Other names: c.-219C>A (NM_001324036.2, NM_001324037.2, NM_001324038.2 and 1 more transcripts).
Identifiers: ClinVar variation 225268 (VCV000225268.10), dbSNP rs4385801, ClinGen allele CA10576008.

ClinVar aggregate classification (germline): Benign. Review status: criteria provided, multiple submitters, no conflicts (2 of 4 stars). 5 submissions from 5 submitters: Benign (4). 1 of the submissions does not count toward it. Last evaluated 2023-01-31.

Conditions:
Congenital erythropoietic porphyria. Also called: Cutaneous porphyria; Porphyria, Erythropoietic; Congenital porphyria; Günther disease; Uroporphyrinogen III synthase, deficiency of; UROPORPHYRINOGEN III SYNTHASE DEFICIENCY. Identifiers: Orphanet 79277, MedGen C5886774, MONDO:0009902, OMIM 263700.

Allele frequency attached by ClinVar (database versions not stated): 1000 Genomes Project 30x 0.37851; 1000 Genomes Project 0.37939; TOPMed 0.40373; gnomAD 0.41479 and 0.41780; gnomAD exomes 0.47219.
gnomAD v4.1: 95,772 of 221,424 alleles (43%); highest among the groups gnomAD compares: Non-Finnish European, 48%; 21,324 homozygotes.

Submissions (5):

Department of Pathology and Laboratory Medicine, Sinai Health System
Classification: Benign for cutaneous porphyria. Last evaluated: 2023-01-31. Review status: criteria provided, single submitter. Criteria: ACMG Guidelines, 2015. Collection method: research. Allele origin: germline.

Mendelics
Classification: Benign. Last evaluated: 2022-05-04. Review status: criteria provided, single submitter. Criteria: Mendelics Assertion Criteria 2019. Collection method: clinical testing. Allele origin: germline.

Illumina Laboratory Services, Illumina
Classification: Benign for Congenital erythropoietic porphyria. Last evaluated: 2018-01-12. Review status: criteria provided, single submitter. Criteria: ICSL Variant Classification Criteria 13 December 2019. Collection method: clinical testing. Allele origin: germline.
Comment: This variant was observed in the ICSL laboratory as part of a predisposition screen in an ostensibly healthy population. It had not been previously curated by ICSL or reported in the Human Gene Mutation Database (HGMD: prior to June 1st, 2018), and was therefore a candidate for classification through an automated scoring system. Utilizing variant allele frequency, disease prevalence and penetrance estimates, and inheritance mode, an automated score was calculated to assess if this variant is too frequent to cause the disease. Based on the score and internal cut-off values, a variant classified as benign is not then subjected to further curation. The score for this variant resulted in a classification of benign for this disease.

Breakthrough Genomics
Classification: Benign. Review status: criteria provided, single submitter. Criteria: ACMG Guidelines, 2015. Collection method: not provided. Allele origin: germline. Inheritance: Autosomal recessive inheritance. Affected: yes.

GeneReviews
No classification provided. Condition: Congenital erythropoietic porphyria. Review status: no classification provided. Collection method: literature only. Allele origin: germline. Not counted in ClinVar's aggregate classification.
Comment: Pathogenic variants in the erythroid-specific promoter region 2

Literature cited by the submitters: NCBI Bookshelf NBK154652 (cited by GeneReviews).